The following is an entry in ClinVar:

NM_001122630.2(CDKN1C):c.893A>G (p.Gln298Arg)

Gene: CDKN1C (cyclin dependent kinase inhibitor 1C; minus strand). Cytogenetic location: 11p15.4.
Variant type: single nucleotide variant.
Coding change: c.893A>G on transcript NM_001122630.2 (MANE Select); coding-DNA position 893, A replaced by G.
Protein change: p.Gln298Arg; replaces glutamine 298 with arginine.
Molecular consequence: missense variant.
Genome position (GRCh38, 1-based): chr11:2,884,029, T>C on the plus strand (A>G on the coding strand, the complement: CDKN1C is on the minus strand). VCF-style: chr11-2884029-T-C. GRCh37 (hg19) VCF-style: chr11-2905259-T-C.
Other names: c.926A>G, p.Gln309Arg (NM_000076.2, NM_001362474.2); c.893A>G, p.Gln298Arg (NM_001122631.2); c.361A>G, p.Arg121Gly (NM_001362475.2); short protein forms Q298R, Q309R, R121G.
Identifiers: ClinVar variation 2199078 (VCV002199078.4), dbSNP rs2494379483, ClinGen allele CA379144725.

ClinVar aggregate classification (germline): Uncertain significance (1 of 4 stars; one submission).

Conditions:
Beckwith-Wiedemann syndrome (BWS). Also called: EMG SYNDROME; Exomphalos macroglossia gigantism syndrome. Identifiers: Orphanet 116, MedGen C0004903, MONDO:0007534, OMIM 130650.

Allele frequency attached by ClinVar (database versions not stated): gnomAD exomes 0.00001.
gnomAD v4.1: 10 of 1,557,972 alleles (0.00064%); highest among the groups gnomAD compares: Non-Finnish European, 0.00078%; no homozygotes.

Submission:

Labcorp Genetics (formerly Invitae), Labcorp
Classification: Uncertain significance for Beckwith-Wiedemann syndrome. Last evaluated: 2022-03-21. Review status: criteria provided, single submitter. Criteria: Invitae Variant Classification Sherloc (09022015). Collection method: clinical testing. Allele origin: germline.
Comment: Algorithms developed to predict the effect of missense changes on protein structure and function are either unavailable or do not agree on the potential impact of this missense change (SIFT: "Tolerated"; PolyPhen-2: "Not Available"; Align-GVGD: "Class C0"). In summary, the available evidence is currently insufficient to determine the role of this variant in disease. Therefore, it has been classified as a Variant of Uncertain Significance. This variant has not been reported in the literature in individuals affected with CDKN1C-related conditions. This variant is not present in population databases (gnomAD no frequency). This sequence change replaces glutamine, which is neutral and polar, with arginine, which is basic and polar, at codon 309 of the CDKN1C protein (p.Gln309Arg).